The following is an entry in ClinVar:

NM_019066.5(MAGEL2):c.798C>T (p.Ala266=)

Gene: MAGEL2 (MAGE family member L2; minus strand). Cytogenetic location: 15q11.2.
Variant type: single nucleotide variant.
Coding change: c.798C>T on transcript NM_019066.5 (MANE Select); coding-DNA position 798, C replaced by T.
Protein change: p.Ala266=; no amino-acid change (alanine 266 retained).
Molecular consequence: synonymous variant.
Genome position (GRCh38, 1-based): chr15:23,646,945, G>A on the plus strand (C>T on the coding strand, the complement: MAGEL2 is on the minus strand). VCF-style: chr15-23646945-G-A. GRCh37 (hg19) VCF-style: chr15-23892092-G-A.
Identifiers: ClinVar variation 4719396 (VCV004719396.1).

ClinVar aggregate classification (germline): Uncertain significance (1 of 4 stars; one submission).

gnomAD v4.1: 1 of 1,536,810 alleles (0.000065%); highest among the groups gnomAD compares: East Asian, 0.0024%; no homozygotes.

Submission:

Labcorp Genetics (formerly Invitae), Labcorp
Classification: Uncertain significance. Last evaluated: 2025-05-17. Review status: criteria provided, single submitter. Criteria: Invitae Variant Classification Sherloc (09022015). Collection method: clinical testing. Allele origin: germline.
Comment: This sequence change affects codon 266 of the MAGEL2 mRNA. It is a 'silent' change, meaning that it does not change the encoded amino acid sequence of the MAGEL2 protein. This variant is not present in population databases (gnomAD no frequency). This variant has not been reported in the literature in individuals affected with MAGEL2-related conditions. In summary, the available evidence is currently insufficient to determine the role of this variant in disease. Therefore, it has been classified as a Variant of Uncertain Significance.